The following is an entry in ClinVar:

NM_001792.5(CDH2):c.678T>A (p.Asp226Glu)

Gene: CDH2 (cadherin 2; minus strand). Cytogenetic location: 18q12.1.
Variant type: single nucleotide variant.
Coding change: c.678T>A on transcript NM_001792.5 (MANE Select); coding-DNA position 678, T replaced by A.
Protein change: p.Asp226Glu; replaces aspartic acid 226 with glutamic acid.
Molecular consequence: missense variant.
Genome position (GRCh38, 1-based): chr18:28,009,741, A>T on the plus strand (T>A on the coding strand, the complement: CDH2 is on the minus strand). VCF-style: chr18-28009741-A-T. GRCh37 (hg19) VCF-style: chr18-25589705-A-T.
Other names: c.585T>A, p.Asp195Glu (NM_001308176.2); short protein forms D195E, D226E.
Identifiers: ClinVar variation 2392344 (VCV002392344.2), dbSNP rs2510814363, ClinGen allele CA402243442.

ClinVar aggregate classification (germline): Uncertain significance (1 of 4 stars; one submission).

Conditions:
Inborn genetic diseases. Identifiers: MedGen C0950123, MeSH D030342.

Submission:

Ambry Genetics
Classification: Uncertain significance for Inborn genetic diseases. Last evaluated: 2021-06-11. Review status: criteria provided, single submitter. Criteria: Ambry Variant Classification Scheme 2023. Collection method: clinical testing. Allele origin: germline.
Comment: The c.678T>A (p.D226E) alteration is located in coding exon 5 of the CDH2 gene. This alteration results from a T to A substitution at nucleotide position 678, causing the aspartic acid (D) at amino acid position 226 to be replaced by a glutamic acid (E). Based on data from the Genome Aggregation Database (gnomAD), the CDH2 c.678T>A alteration was not observed, with coverage at this position. This amino acid position is highly conserved in available vertebrate species. The in silico prediction for the p.D226E alteration is inconclusive. Based on insufficient or conflicting evidence, the clinical significance of this alteration remains unclear.